The following is an entry in ClinVar:

NM_014249.4(NR2E3):c.864T>A (p.Gly288=)

Gene: NR2E3 (nuclear receptor subfamily 2 group E member 3; plus strand). Cytogenetic location: 15q23.
Variant type: single nucleotide variant.
Coding change: c.864T>A on transcript NM_014249.4 (MANE Select); coding-DNA position 864, T replaced by A.
Protein change: p.Gly288=; no amino-acid change (glycine 288 retained).
Molecular consequence: synonymous variant.
Genome position (GRCh38, 1-based): chr15:71,813,505, T>A. VCF-style: chr15-71813505-T-A. GRCh37 (hg19) VCF-style: chr15-72105845-T-A.
Other names: c.864T>A, p.Gly288= (NM_016346.4).
Identifiers: ClinVar variation 754017 (VCV000754017.20), dbSNP rs537802684, ClinGen allele CA7640417.

ClinVar aggregate classification (germline): Benign/Likely benign. Review status: criteria provided, multiple submitters, no conflicts (2 of 4 stars). 7 submissions from 6 submitters: Benign (1); Likely benign (5). 1 of the submissions does not count toward it. Last evaluated 2025-12-19.

Conditions:
Retinal dystrophy. Also called: Inherited retinal dystrophy. Identifiers: Orphanet 71862, MedGen C0854723, MeSH D058499, MONDO:0019118, HP:0000556.
Enhanced S-cone syndrome (ESCS). Identifiers: Orphanet 53540, MedGen C1849394, MONDO:0100288, MONDO:0009989.
Retinitis pigmentosa (RP). Identifiers: Orphanet 791, MedGen C0035334, MeSH D012174, MONDO:0019200, OMIM 268000. Inheritance: Autosomal dominant, autosomal recessive and X linked inheritance.
NR2E3-related disorder. Also called: NR2E3-related disorders; NR2E3-related condition. Identifiers: MedGen CN239387.

Allele frequency attached by ClinVar (database versions not stated): gnomAD 0.00001 and 0.00007; TOPMed 0.00005; gnomAD exomes 0.00013 and 0.00019; ExAC 0.00026; 1000 Genomes Project 30x 0.00047; 1000 Genomes Project 0.00060.

Submissions (7):

Labcorp Genetics (formerly Invitae), Labcorp
Classification: Benign. Last evaluated: 2025-12-19. Review status: criteria provided, single submitter. Criteria: Invitae Variant Classification Sherloc (09022015). Collection method: clinical testing. Allele origin: germline.

PreventionGenetics, part of Exact Sciences
Classification: Likely benign for NR2E3-related condition. Last evaluated: 2025-06-16. Review status: criteria provided, single submitter. Criteria: ACMG Guidelines, 2015. Collection method: clinical testing. Allele origin: germline.
Comment: This variant is classified as likely benign based on ACMG/AMP sequence variant interpretation guidelines (Richards et al. 2015 PMID: 25741868, with internal and published modifications).

Blueprint Genetics
Classification: Likely benign. Last evaluated: 2024-05-20. Review status: criteria provided, single submitter. Criteria: ACMG Guidelines, 2015. Collection method: clinical testing. Allele origin: germline.

Dept Of Ophthalmology, Nagoya University
Classification: Likely benign for Retinal dystrophy. Last evaluated: 2023-10-01. Review status: criteria provided, single submitter. Criteria: Submitter's publication. Collection method: research. Allele origin: germline. Affected: yes.

Illumina Laboratory Services, Illumina
Classification: Likely benign for ENHANCED S-CONE SYNDROME 1. Last evaluated: 2018-01-13. Review status: criteria provided, single submitter. Criteria: ICSL Variant Classification Criteria 13 December 2019. Collection method: clinical testing. Allele origin: germline.
Comment: This variant was observed in the ICSL laboratory as part of a predisposition screen in an ostensibly healthy population. It had not been previously curated by ICSL or reported in the Human Gene Mutation Database (HGMD: prior to June 1st, 2018), and was therefore a candidate for classification through an automated scoring system. Utilizing variant allele frequency, disease prevalence and penetrance estimates, and inheritance mode, an automated score was calculated to assess if this variant is too frequent to cause the disease. Based on the score and internal cut-off values, a variant classified as likely benign is not then subjected to further curation. The score for this variant resulted in a classification of likely benign for this disease.

Illumina Laboratory Services, Illumina
Classification: Likely benign for Retinitis pigmentosa. Last evaluated: 2018-01-13. Review status: criteria provided, single submitter. Criteria: ICSL Variant Classification Criteria 13 December 2019. Collection method: clinical testing. Allele origin: germline.
Comment: the same text as in the submission from Illumina Laboratory Services, Illumina above.

Natera, Inc.
Classification: Benign for Enhanced S cone syndrome. Last evaluated: 2020-02-14. Review status: no assertion criteria provided. Collection method: clinical testing. Allele origin: germline. Not counted in ClinVar's aggregate classification.